The following is an entry in ClinVar:

NM_000551.4(VHL):c.*294G>A

Genes: VHL (von Hippel-Lindau tumor suppressor; plus strand), LOC107303340 (3p25 von Hippel-Lindau tumor suppressor, E3 ubiquitin protein ligase Alu-mediated recombination region; plus strand). Cytogenetic location: 3p25.3.
Variant type: single nucleotide variant.
Coding change: c.*294G>A on transcript NM_000551.4 (MANE Select); 294 bases downstream of the stop codon, G replaced by A.
Molecular consequence: 3 prime UTR variant.
Genome position (GRCh38, 1-based): chr3:10,150,259, G>A. VCF-style: chr3-10150259-G-A. GRCh37 (hg19) VCF-style: chr3-10191943-G-A.
Other names: c.*490G>A (NM_001354723.2); c.*294G>A (NM_198156.3).
Identifiers: ClinVar variation 342407 (VCV000342407.9), dbSNP rs1642742, ClinGen allele CA10614392.

ClinVar aggregate classification (germline): Benign. Review status: criteria provided, multiple submitters, no conflicts (2 of 4 stars). 3 submissions from 3 submitters: Benign (3). Last evaluated 2018-06-22.

Conditions:
Von Hippel-Lindau syndrome (VHLS). Also called: Von Hippel-Lindau; von Hippel–Lindau syndrome; VHL syndrome. Identifiers: Orphanet 892, MedGen C0019562, MONDO:0008667, OMIM 193300. Disease mechanism: loss of function.

Allele frequency attached by ClinVar (database versions not stated): 1000 Genomes Project 30x 0.54294; 1000 Genomes Project 0.55711; TOPMed 0.56005; gnomAD 0.57360 and 0.57919; gnomAD exomes 0.66819.
gnomAD v4.1: 859,089 of 1,306,604 alleles (66%); highest among the groups gnomAD compares: East Asian, 76%; 288,789 homozygotes.

Submissions (3):

GeneDx
Classification: Benign. Last evaluated: 2018-06-22. Review status: criteria provided, single submitter. Criteria: GeneDx Variant Classification Process June 2021. Collection method: clinical testing. Allele origin: germline. Affected: yes.

Illumina Laboratory Services, Illumina
Classification: Benign for Von Hippel-Lindau syndrome. Last evaluated: 2018-01-13. Review status: criteria provided, single submitter. Criteria: ICSL Variant Classification Criteria 13 December 2019. Collection method: clinical testing. Allele origin: germline.
Comment: This variant was observed in the ICSL laboratory as part of a predisposition screen in an ostensibly healthy population. It had not been previously curated by ICSL or reported in the Human Gene Mutation Database (HGMD: prior to June 1st, 2018), and was therefore a candidate for classification through an automated scoring system. Utilizing variant allele frequency, disease prevalence and penetrance estimates, and inheritance mode, an automated score was calculated to assess if this variant is too frequent to cause the disease. Based on the score and internal cut-off values, a variant classified as benign is not then subjected to further curation. The score for this variant resulted in a classification of benign for this disease.

Breakthrough Genomics
Classification: Benign. Review status: criteria provided, single submitter. Criteria: ACMG Guidelines, 2015. Collection method: not provided. Allele origin: germline. Inheritance: Autosomal recessive inheritance. Affected: yes.